The following is an entry in ClinVar:

NM_001042492.3(NF1):c.118A>T (p.Lys40Ter)

Gene: NF1 (neurofibromin 1; plus strand). Cytogenetic location: 17q11.2.
Variant type: single nucleotide variant.
Coding change: c.118A>T on transcript NM_001042492.3 (MANE Select); coding-DNA position 118, A replaced by T.
Protein change: p.Lys40Ter; replaces lysine 40 with a stop codon.
Molecular consequence: nonsense.
Genome position (GRCh38, 1-based): chr17:31,156,040, A>T. VCF-style: chr17-31156040-A-T. GRCh37 (hg19) VCF-style: chr17-29483058-A-T.
Other names: c.118A>T, p.Lys40Ter (NM_000267.4, NM_001128147.3); short protein forms K40*.
Identifiers: ClinVar variation 3237997 (VCV003237997.1), dbSNP rs2143626114.

ClinVar aggregate classification (germline): Pathogenic (1 of 4 stars; one submission).

Conditions:
Hereditary cancer-predisposing syndrome. Also called: Neoplastic Syndromes, Hereditary; Tumor predisposition; Hereditary neoplastic syndrome; Hereditary Cancer Syndrome. Identifiers: Orphanet 140162, MedGen C0027672, MeSH D009386, MONDO:0015356.
Cardiovascular phenotype. Identifiers: MedGen CN230736.

Submission:

Ambry Genetics
Classification: Pathogenic for Cardiovascular phenotype; Hereditary cancer-predisposing syndrome. Last evaluated: 2023-08-10. Review status: criteria provided, single submitter. Criteria: Ambry Variant Classification Scheme 2023. Collection method: clinical testing. Allele origin: germline.
Comment: The p.K40* pathogenic mutation (also known as c.118A>T), located in coding exon 2 of the NF1 gene, results from an A to T substitution at nucleotide position 118. This changes the amino acid from a lysine to a stop codon within coding exon 2. This alteration was observed in 1 of 77 Taiwanese/Chinese patients meeting diagnostic criteria for NF1 (Lee MJ et al. Hum Mutat, 2006 Aug;27:832). This variant is considered to be rare based on population cohorts in the Genome Aggregation Database (gnomAD). This alteration is expected to result in loss of function by premature protein truncation or nonsense-mediated mRNA decay. As such, this alteration is interpreted as a disease-causing mutation.